The following is an entry in ClinVar:

NM_014762.4(DHCR24):c.286G>C (p.Gly96Arg)

Gene: DHCR24 (24-dehydrocholesterol reductase; minus strand). Cytogenetic location: 1p32.3.
Variant type: single nucleotide variant.
Coding change: c.286G>C on transcript NM_014762.4 (MANE Select); coding-DNA position 286, G replaced by C.
Protein change: p.Gly96Arg; replaces glycine 96 with arginine.
Molecular consequence: missense variant.
Genome position (GRCh38, 1-based): chr1:54,883,719, C>G on the plus strand (G>C on the coding strand, the complement: DHCR24 is on the minus strand). VCF-style: chr1-54883719-C-G. GRCh37 (hg19) VCF-style: chr1-55349392-C-G.
Other names: short protein forms G96R.
Identifiers: ClinVar variation 1184322 (VCV001184322.1), dbSNP rs2101578761, ClinGen allele CA340464960.
Genomic context (GRCh38, chr1:54,883,719, plus strand): 5'-TCATGATGTTTTTGTGTGTCTTCTTGTACTTCCCGACACGTAGTGAGACAGTGAGCCAGC[C>G]AGGGCGCCCCGTGCACATGAAGGTCTTGCTACCCTGCTCCTTCCATTCCCGCACCTGCAA-3'
Protein context (NP_055577.1, residues 86-106): SKTFMCTGRP[Gly96Arg]WLTVSLRVGK

ClinVar aggregate classification (germline): Uncertain significance (1 of 4 stars; one submission).

Conditions:
Desmosterolosis. Identifiers: Orphanet 35107, MedGen C1865596, MONDO:0011217, OMIM 602398.

Submission:

New York Genome Center
Classification: Uncertain significance for Desmosterolosis. Last evaluated: 2020-07-03. Review status: criteria provided, single submitter. Criteria: NYGC Assertion Criteria 2020. Collection method: clinical testing. Allele origin: inherited. Observed: 1 homozygote. Study: CSER-NYCKidSeq.
Comment: The homozygous c.286G>C (p.Gly96Arg) variant identified in the DHCR24 gene substitutes a well conserved Glycine for Arginine at amino acid 96/517 (exon 2/9). This variant is absent from gnomAD suggesting it is not a common benign variant in the populations represented in that database. In silico algorithms predict this variant to be Deleterious (Provean; score: -6.19) and Damaging (SIFT; score:0.026) to the function of the canonical transcript. This variant is absent from ClinVar and to our current knowledge has not been reported in affected individuals in the literature. The p.Gly96 residue is within the FAD-binding PCMH-type domain of DHCR24 (UniProtKB:Q15392), and while the p.Gly96Arg variant has not been described in affected individuals in the literature, a variant within the same domain and two amino acids upstream (p.Arg94His) has been reported in an affected individual in the literature [PMID:21671375]. The homozygous c.286G>C (p.Gly96Arg) variant identified in the DHCR24 gene is reported as a Variant of Uncertain Significance.